The following is an entry in ClinVar:

NM_004606.5(TAF1):c.587A>C (p.Gln196Pro)

Gene: TAF1 (TATA-box binding protein associated factor 1; plus strand). Cytogenetic location: Xq13.1.
Variant type: single nucleotide variant.
Coding change: c.587A>C on transcript NM_004606.5 (MANE Select); coding-DNA position 587, A replaced by C.
Protein change: p.Gln196Pro; replaces glutamine 196 with proline.
Molecular consequence: missense variant. On other transcripts: non-coding transcript variant (9).
Genome position (GRCh38, 1-based): chrX:71,377,064, A>C. VCF-style: chrX-71377064-A-C. GRCh37 (hg19) VCF-style: chrX-70596914-A-C.
Other names: c.587A>C, p.Gln196Pro (NM_001286074.2, NM_001440852.1, NM_001440853.1); c.524A>C, p.Gln175Pro (NM_001440854.1, NM_138923.4); short protein forms Q175P, Q196P.
Identifiers: ClinVar variation 5020948 (VCV005020948.1).
Genomic context (GRCh38, chrX:71,377,064, plus strand): 5'-TGGCCTCAGAGAAAGTGGACTTCAGTAGTTCCTCTGACTCAGAATCTGAGATGGGACCTC[A>C]GGAAGCAACACAGGCAGAATCTGAAGATGGAAAGCTGACCCTTCCATTGGCTGGGATTAT-3'
Protein context (NP_004597.3, residues 186-206): SSDSESEMGP[Gln196Pro]EATQAESEDG

ClinVar aggregate classification (germline): Uncertain significance (1 of 4 stars; one submission).

Submission:

Dasa
Classification: Uncertain significance. Last evaluated: 2025-05-28. Review status: criteria provided, single submitter. Criteria: DASA Assertion Criteria. Collection method: clinical testing. Allele origin: germline.
Comment: NM_004606.5(TAF1):c.587A>C (p.Gln196Pro) is a missense variant that results in the substitution of glutamine with proline. This variant is absent from population databases. Computational prediction algorithms are consistent with a benign effect. The currently available literature and clinical evidence are not sufficient to establish a definitive association between this variant and the reported condition. Therefore, this variant is classified as a variant of uncertain significance.